The following is an entry in ClinVar:

ClinVar aggregate classification (germline): Conflicting classifications of pathogenicity. Review status: criteria provided, conflicting classifications (1 of 4 stars). 2 submissions from 2 submitters: Likely pathogenic (1); Uncertain significance (1). Last evaluated 2024-02-17.

Conditions:
Retinitis pigmentosa 12 (RP12). Also called: RP WITH OR WITHOUT PPRPE; RP WITH OR WITHOUT PRESERVED PARAARTERIOLE RETINAL PIGMENT EPITHELIUM; RETINITIS PIGMENTOSA WITH OR WITHOUT PARAARTERIOLAR PRESERVATION OF RETINAL PIGMENT EPITHELIUM. Identifiers: Orphanet 791, MedGen C1838647, MONDO:0010818, OMIM 600105.
Leber congenital amaurosis 8 (LCA8). Identifiers: Orphanet 65, MedGen C3151202, MONDO:0013453, OMIM 613835.

Allele frequency attached by ClinVar (database versions not stated): gnomAD 0.00001; gnomAD exomes 0.00001; ExAC 0.00002.
gnomAD v4.1: 2 of 1,613,364 alleles (0.00012%); highest among the groups gnomAD compares: East Asian, 0.0045%; 1 homozygote.

Submissions (2):

Labcorp Genetics (formerly Invitae), Labcorp
Classification: Likely pathogenic for Leber congenital amaurosis 8; Retinitis pigmentosa 12. Last evaluated: 2024-02-17. Review status: criteria provided, single submitter. Criteria: Invitae Variant Classification Sherloc (09022015). Collection method: clinical testing. Allele origin: germline.
Comment: This sequence change replaces glutamic acid, which is acidic and polar, with lysine, which is basic and polar, at codon 710 of the CRB1 protein (p.Glu710Lys). This variant also falls at the last nucleotide of exon 6, which is part of the consensus splice site for this exon. The frequency data for this variant in the population databases is considered unreliable, as metrics indicate poor data quality at this position in the gnomAD database. This variant has not been reported in the literature in individuals affected with CRB1-related conditions. ClinVar contains an entry for this variant (Variation ID: 1469683). An algorithm developed to predict the effect of missense changes on protein structure and function (PolyPhen-2) suggests that this variant is likely to be disruptive. Variants that disrupt the consensus splice site are a relatively common cause of aberrant splicing (PMID: 17576681, 9536098). Algorithms developed to predict the effect of sequence changes on RNA splicing suggest that this variant may disrupt the consensus splice site. This variant disrupts the p.Glu710 amino acid residue in CRB1. Other variant(s) that disrupt this residue have been determined to be pathogenic (PMID: 20591486, 20956273, 28041643, 28559085). This suggests that this residue is clinically significant, and that variants that disrupt this residue are likely to be disease-causing. In summary, the currently available evidence indicates that the variant is pathogenic, but additional data are needed to prove that conclusively. Therefore, this variant has been classified as Likely Pathogenic.

Blueprint Genetics
Classification: Uncertain significance. Last evaluated: 2021-10-21. Review status: criteria provided, single submitter. Criteria: ACMG Guidelines, 2015. Collection method: clinical testing. Allele origin: germline.

Literature cited by the submitters: PubMed 17576681 (cited by Labcorp Genetics (formerly Invitae), Labcorp); PubMed 9536098 (cited by Labcorp Genetics (formerly Invitae), Labcorp); PubMed 20591486 (cited by Labcorp Genetics (formerly Invitae), Labcorp); PubMed 20956273 (cited by Labcorp Genetics (formerly Invitae), Labcorp); PubMed 28041643 (cited by Labcorp Genetics (formerly Invitae), Labcorp); PubMed 28559085 (cited by Labcorp Genetics (formerly Invitae), Labcorp).

NM_201253.3(CRB1):c.2128G>A (p.Glu710Lys)

Gene: CRB1 (crumbs cell polarity complex component 1; plus strand). Cytogenetic location: 1q31.3.
Variant type: single nucleotide variant.
Coding change: c.2128G>A on transcript NM_201253.3 (MANE Select); coding-DNA position 2128, G replaced by A.
Protein change: p.Glu710Lys; replaces glutamic acid 710 with lysine.
Molecular consequence: missense variant. On other transcripts: non-coding transcript variant (2).
Genome position (GRCh38, 1-based): chr1:197,421,956, G>A. VCF-style: chr1-197421956-G-A. GRCh37 (hg19) VCF-style: chr1-197391086-G-A.
Other names: c.1792G>A, p.Glu598Lys (NM_001193640.2); c.1921G>A, p.Glu641Lys (NM_001257965.2); c.2128G>A, p.Gly710Arg (NM_001257966.2); short protein forms E598K, G710R, E641K, E710K.
Identifiers: ClinVar variation 1469683 (VCV001469683.7), dbSNP rs62645755, ClinGen allele CA1312035.